The following is an entry in ClinVar:

NM_152383.5(DIS3L2):c.610G>A (p.Asp204Asn)

Gene: DIS3L2 (DIS3 like 3'-5' exoribonuclease 2; plus strand). Cytogenetic location: 2q37.1.
Variant type: single nucleotide variant.
Coding change: c.610G>A on transcript NM_152383.5 (MANE Select); coding-DNA position 610, G replaced by A.
Protein change: p.Asp204Asn; replaces aspartic acid 204 with asparagine.
Molecular consequence: missense variant. On other transcripts: non-coding transcript variant (2).
Genome position (GRCh38, 1-based): chr2:232,130,627, G>A. VCF-style: chr2-232130627-G-A. GRCh37 (hg19) VCF-style: chr2-232995337-G-A.
Other names: c.610G>A, p.Asp204Asn (NM_001257281.2, NM_001257282.2); short protein forms D204N.
Identifiers: ClinVar variation 950752 (VCV000950752.7), dbSNP rs767490286, ClinGen allele CA2163885.

ClinVar aggregate classification (germline): Uncertain significance (1 of 4 stars; one submission).

Conditions:
Perlman syndrome (PRLMNS). Identifiers: Orphanet 2849, MedGen C0796113, MONDO:0009965, OMIM 267000.

Allele frequency attached by ClinVar (database versions not stated): gnomAD below 0.00001 and 0.00001; gnomAD exomes 0.00002 and 0.00004; ExAC 0.00009.
gnomAD v4.1: 34 of 1,610,412 alleles (0.0021%); highest among the groups gnomAD compares: South Asian, 0.038%; no homozygotes.

Submission:

Labcorp Genetics (formerly Invitae), Labcorp
Classification: Uncertain significance for Perlman syndrome. Last evaluated: 2025-09-08. Review status: criteria provided, single submitter. Criteria: Invitae Variant Classification Sherloc (09022015). Collection method: clinical testing. Allele origin: germline.
Comment: This sequence change replaces aspartic acid, which is acidic and polar, with asparagine, which is neutral and polar, at codon 204 of the DIS3L2 protein (p.Asp204Asn). This variant is present in population databases (rs767490286, gnomAD 0.04%). This variant has not been reported in the literature in individuals affected with DIS3L2-related conditions. ClinVar contains an entry for this variant (Variation ID: 950752). An algorithm developed to predict the effect of missense changes on protein structure and function outputs the following: PolyPhen-2: "Benign". The asparagine amino acid residue is found in multiple mammalian species, which suggests that this missense change does not adversely affect protein function. In summary, the available evidence is currently insufficient to determine the role of this variant in disease. Therefore, it has been classified as a Variant of Uncertain Significance.